The following is an entry in ClinVar:

ClinVar aggregate classification (germline): Uncertain significance (1 of 4 stars; one submission).

Submission:

GeneDx
Classification: Uncertain significance. Last evaluated: 2025-08-12. Review status: criteria provided, single submitter. Criteria: GeneDx Variant Classification Process June 2021. Collection method: clinical testing. Allele origin: germline. Affected: yes.
Comment: Not observed at significant frequency in large population cohorts (gnomAD); In silico analysis suggests that this missense variant does not alter protein structure/function; Has not been previously published as pathogenic or benign to our knowledge

NM_001184880.2(PCDH19):c.1624T>G (p.Ser542Ala)

Gene: PCDH19 (protocadherin 19; minus strand). Cytogenetic location: Xq22.1.
Variant type: single nucleotide variant.
Coding change: c.1624T>G on transcript NM_001184880.2 (MANE Select); coding-DNA position 1624, T replaced by G.
Protein change: p.Ser542Ala; replaces serine 542 with alanine.
Molecular consequence: missense variant.
Genome position (GRCh38, 1-based): chrX:100,406,974, A>C on the plus strand (T>G on the coding strand, the complement: PCDH19 is on the minus strand). VCF-style: chrX-100406974-A-C. GRCh37 (hg19) VCF-style: chrX-99661972-A-C.
Other names: c.1624T>G, p.Ser542Ala (NM_020766.3, NM_001105243.2); short protein forms S542A.
Identifiers: ClinVar variation 4795774 (VCV004795774.1).
Genomic context (GRCh38, chrX:100,406,974, plus strand): 5'-CCGGGGTGTTGTCGTTGACGTCGAGGATGATGACCCGCACCGTAGCGTTGCTTTGCAGTG[A>C]GGGAAGGCCGCCGTCCTTGGCCAGCACCTTGAATTCGAACGCCTTGGTCTGCTCGTGGTT-3'
Protein context (NP_001171809.1, residues 532-552): KVLAKDGGLP[Ser542Ala]LQSNATVRVI